The following is an entry in ClinVar:

NM_005188.4(CBL):c.1169A>T (p.Asp390Val)

Gene: CBL (Cbl proto-oncogene; plus strand). Cytogenetic location: 11q23.3.
Variant type: single nucleotide variant.
Coding change: c.1169A>T on transcript NM_005188.4 (MANE Select); coding-DNA position 1169, A replaced by T.
Protein change: p.Asp390Val; replaces aspartic acid 390 with valine.
Molecular consequence: missense variant.
Genome position (GRCh38, 1-based): chr11:119,278,239, A>T. VCF-style: chr11-119278239-A-T. GRCh37 (hg19) VCF-style: chr11-119148949-A-T.
Other names: c.1169A>T (NM_005188.3); short protein forms D390V.
Identifiers: ClinVar variation 561499 (VCV000561499.13), dbSNP rs763058208, ClinGen allele CA6318445.
Genomic context (GRCh38, chr11:119,278,239, plus strand): 5'-TATACTGTGAGATGGGCTCCACATTCCAACTATGTAAAATATGTGCTGAAAATGATAAGG[A>T]TGTAAAGATTGAGCCCTGTGGACACCTCATGTGCACATCCTGTCTTACATCCTGGCAGGT-3'
Protein context (NP_005179.2, residues 380-400): LCKICAENDK[Asp390Val]VKIEPCGHLM

ClinVar aggregate classification (germline): Conflicting classifications of pathogenicity. Review status: criteria provided, conflicting classifications (1 of 4 stars). 5 submissions from 5 submitters: Likely pathogenic (2); Uncertain significance (1). 2 of the submissions do not count toward it. Last evaluated 2025-02-06.

Conditions:
CBL-related disorder. Also called: NOONAN SYNDROME-LIKE DISORDER WITHOUT JUVENILE MYELOMONOCYTIC LEUKEMIA; CBL MUTATION-ASSOCIATED SYNDROME; CBL SYNDROME. Identifiers: Orphanet 363972, MedGen C3150803, MONDO:0013308, OMIM 613563.
RASopathy. Also called: rasopathies; Noonan spectrum disorder. Identifiers: Orphanet 536391, MedGen C5555857, MONDO:0021060.
Hepatosplenomegaly. Identifiers: MedGen C0019214, HP:0001433.

Allele frequency attached by ClinVar (database versions not stated): TOPMed below 0.00001; ExAC 0.00002.
gnomAD v4.1: 1 of 1,613,256 alleles (0.000062%); highest among the groups gnomAD compares: Non-Finnish European, 0.000085%; no homozygotes.

Submissions (5):

Labcorp Genetics (formerly Invitae), Labcorp
Classification: Uncertain significance for RASopathy. Last evaluated: 2025-02-06. Review status: criteria provided, single submitter. Criteria: Invitae Variant Classification Sherloc (09022015). Collection method: clinical testing. Allele origin: germline.
Comment: This sequence change replaces aspartic acid, which is acidic and polar, with valine, which is neutral and non-polar, at codon 390 of the CBL protein (p.Asp390Val). The frequency data for this variant in the population databases is considered unreliable, as metrics indicate poor data quality at this position in the gnomAD database. This missense change has been observed in individual(s) with acute myeloid leukemia and/or clinical features of CBL-related conditions (PMID: 24493670, 32533790, 37236975). ClinVar contains an entry for this variant (Variation ID: 561499). Invitae Evidence Modeling of protein sequence and biophysical properties (such as structural, functional, and spatial information, amino acid conservation, physicochemical variation, residue mobility, and thermodynamic stability) indicates that this missense variant is expected to disrupt CBL protein function with a positive predictive value of 95%. This variant disrupts the p.Asp390 amino acid residue in CBL. Other variant(s) that disrupt this residue have been determined to be pathogenic (PMID: 20619386, 25178484). This suggests that this residue is clinically significant, and that variants that disrupt this residue are likely to be disease-causing. In summary, the available evidence is currently insufficient to determine the role of this variant in disease. Therefore, it has been classified as a Variant of Uncertain Significance.

GeneDx
Classification: Likely pathogenic. Last evaluated: 2024-05-07. Review status: criteria provided, single submitter. Criteria: GeneDx Variant Classification Process June 2021. Collection method: clinical testing. Allele origin: germline. Affected: yes.
Comment: In silico analysis supports that this missense variant has a deleterious effect on protein structure/function; This variant is associated with the following publications: (PMID: 32234571, 31943762, 34026204, 20619386, 22315494, 24493670, 32533790, 38339343)

Genomic Medicine Lab, University of California San Francisco
Classification: Likely pathogenic for Hepatosplenomegaly. Review status: criteria provided, single submitter. Criteria: ACMG Guidelines, 2015. Collection method: clinical testing. Allele origin: de novo. Study: CSER.

Clinical Genetics Laboratory, University Hospital Schleswig-Holstein
Classification: Likely pathogenic for CBL-related disorder. Last evaluated: 2021-02-15. Review status: no assertion criteria provided. Collection method: clinical testing. Allele origin: germline. Affected: yes. Not counted in ClinVar's aggregate classification.

Biochemical Molecular Genetic Laboratory, King Abdulaziz Medical City
Classification: Likely pathogenic for CBL-related disorder. Last evaluated: 2020-02-05. Review status: no assertion criteria provided. Collection method: clinical testing. Allele origin: germline. Affected: yes. Not counted in ClinVar's aggregate classification.

Literature cited by the submitters: PubMed 24493670 (cited by Labcorp Genetics (formerly Invitae), Labcorp); PubMed 32533790 (cited by Labcorp Genetics (formerly Invitae), Labcorp); PubMed 37236975 (cited by Labcorp Genetics (formerly Invitae), Labcorp); PubMed 20619386 (cited by Labcorp Genetics (formerly Invitae), Labcorp); PubMed 25178484 (cited by Labcorp Genetics (formerly Invitae), Labcorp).